The following is an entry in ClinVar:

NM_001267550.2(TTN):c.65042A>T (p.Asp21681Val)

Genes: TTN (titin; minus strand), TTN-AS1 (TTN antisense RNA 1; plus strand). Cytogenetic location: 2q31.2.
Variant type: single nucleotide variant.
Coding change: c.65042A>T on transcript NM_001267550.2 (MANE Select); coding-DNA position 65042, A replaced by T.
Protein change: p.Asp21681Val; replaces aspartic acid 21681 with valine.
Molecular consequence: missense variant.
Genome position (GRCh38, 1-based): chr2:178,584,509, T>A on the plus strand (A>T on the coding strand, the complement: TTN is on the minus strand). VCF-style: chr2-178584509-T-A. GRCh37 (hg19) VCF-style: chr2-179449236-T-A.
Other names: c.60119A>T, p.Asp20040Val (NM_001256850.1); c.37847A>T, p.Asp12616Val (NM_003319.4); c.57338A>T, p.Asp19113Val (NM_133378.4); c.38222A>T, p.Asp12741Val (NM_133432.3); c.38423A>T, p.Asp12808Val (NM_133437.4); short protein forms D12616V, D12741V, D12808V, D19113V, D20040V, D21681V.
Identifiers: ClinVar variation 2690364 (VCV002690364.3), dbSNP rs192371243, ClinGen allele CA1991790.

ClinVar aggregate classification (germline): Uncertain significance. Review status: criteria provided, multiple submitters, no conflicts (2 of 4 stars). 2 submissions from 2 submitters: Uncertain significance (2). Last evaluated 2026-05-07.

Allele frequency attached by ClinVar (database versions not stated): gnomAD exomes below 0.00001; ExAC 0.00001; gnomAD 0.00001; TOPMed 0.00001; 1000 Genomes Project 0.00020; 1000 Genomes Project 30x 0.00031.

Submissions (2):

Women's Health and Genetics/Laboratory Corporation of America, LabCorp
Classification: Uncertain significance. Last evaluated: 2026-05-07. Review status: criteria provided, single submitter. Criteria: LabCorp Variant Classification Summary - May 2015. Collection method: clinical testing. Allele origin: germline.
Comment: Variant summary: TTN c.57338A>T (p.Asp19113Val) results in a non-conservative amino acid change in the encoded protein sequence. Algorithms developed to predict the effect of missense changes on protein structure and function are either unavailable or do not agree on the potential impact of this missense change. The variant allele was found at a frequency of 8.1e-06 in 248282 control chromosomes. The available data on variant occurrences in the general population are insufficient to allow any conclusion about variant significance. To our knowledge, no occurrence of c.57338A>T in individuals affected with TTN-related conditions and no experimental evidence demonstrating its impact on protein function have been reported. ClinVar contains an entry for this variant (Variation ID: 2690364). Based on the evidence outlined above, the variant was classified as uncertain significance.

Revvity Omics, Revvity
Classification: Uncertain significance. Last evaluated: 2023-06-21. Review status: criteria provided, single submitter. Criteria: ACMG Guidelines, 2015. Collection method: clinical testing. Allele origin: germline.